The following is an entry in ClinVar:

ClinVar aggregate classification (germline): Benign (1 of 4 stars; one submission).

Allele frequency attached by ClinVar (database versions not stated): TOPMed 0.03434; gnomAD 0.03624 and 0.03756; 1000 Genomes Project 30x 0.03685; 1000 Genomes Project 0.03874.
gnomAD v4.1: 5,678 of 152,112 alleles (3.7%); highest among the groups gnomAD compares: Middle Eastern, 9.2%; 125 homozygotes.

Submission:

GeneDx
Classification: Benign. Last evaluated: 2018-06-14. Review status: criteria provided, single submitter. Criteria: GeneDx Variant Classification (06012015). Collection method: clinical testing. Allele origin: germline. Affected: yes.
Comment: This variant is considered likely benign or benign based on one or more of the following criteria: it is a conservative change, it occurs at a poorly conserved position in the protein, it is predicted to be benign by multiple in silico algorithms, and/or has population frequency not consistent with disease.

NM_001854.4(COL11A1):c.488+281T>A

Gene: COL11A1 (collagen type XI alpha 1 chain; minus strand). Cytogenetic location: 1p21.1.
Variant type: single nucleotide variant.
Coding change: c.488+281T>A on transcript NM_001854.4 (MANE Select); 281 bases into the intron after coding-DNA position 488, T replaced by A.
Molecular consequence: intron variant.
Genome position (GRCh38, 1-based): chr1:103,078,377, A>T on the plus strand (T>A on the coding strand, the complement: COL11A1 is on the minus strand). VCF-style: chr1-103078377-A-T. GRCh37 (hg19) VCF-style: chr1-103543933-A-T.
Other names: c.488+281T>A (NM_001190709.2, NM_080629.3, NM_080630.4).
Identifiers: ClinVar variation 681292 (VCV000681292.1), dbSNP rs34157185, ClinGen allele CA27754466.
Genomic context (GRCh38, chr1:103,078,377, plus strand): 5'-TGCACTTTACCTTCTTTACATATCACTTTCTTAGTGGGATTTGGCTTGATGTCACTTCTT[A>T]AAACTACCCACCCCACTGCCACACCCTAACCTCTTTACTGCTCTCTTTTTCTTTCACACT-3'